The following is an entry in ClinVar:

NM_000352.6(ABCC8):c.3613G>A (p.Glu1205Lys)

Gene: ABCC8 (ATP binding cassette subfamily C member 8; minus strand). Cytogenetic location: 11p15.1.
Variant type: single nucleotide variant.
Coding change: c.3613G>A on transcript NM_000352.6 (MANE Select); coding-DNA position 3613, G replaced by A.
Protein change: p.Glu1205Lys; replaces glutamic acid 1205 with lysine.
Molecular consequence: missense variant. On other transcripts: non-coding transcript variant (1).
Genome position (GRCh38, 1-based): chr11:17,402,698, C>T on the plus strand (G>A on the coding strand, the complement: ABCC8 is on the minus strand). VCF-style: chr11-17402698-C-T. GRCh37 (hg19) VCF-style: chr11-17424245-C-T.
Other names: c.3616G>A, p.Glu1206Lys (NM_001287174.3); c.3679G>A, p.Glu1227Lys (NM_001351295.2); c.3613G>A, p.Glu1205Lys (NM_001351296.2); c.3610G>A, p.Glu1204Lys (NM_001351297.2); short protein forms E1205K, E1206K, E1204K, E1227K.
Identifiers: ClinVar variation 290581 (VCV000290581.27), dbSNP rs768448830, ClinGen allele CA5902759.

ClinVar aggregate classification (germline): Uncertain significance. Review status: criteria provided, multiple submitters, no conflicts (2 of 4 stars). 7 submissions from 6 submitters: Uncertain significance (7). Last evaluated 2025-10-03.

Conditions:
Type 2 diabetes mellitus. Also called: Type II diabetes mellitus. Identifiers: MedGen C0011860, MeSH D003924, MONDO:0005148, OMIM 125853, HP:0005978.
Diabetes mellitus, transient neonatal, 2 (TNDM2). Identifiers: Orphanet 99886, MedGen C1835887, MONDO:0012480, OMIM 610374. Disease mechanism: loss of function.
Diabetes mellitus, permanent neonatal 3. Also called: ABCC8-Related Permanent Neonatal Diabetes Mellitus. Identifiers: MedGen C5394303, MONDO:0030088, OMIM 618857.
Leucine-induced hypoglycemia (LIH). Also called: LEUCINE-SENSITIVE HYPOGLYCEMIA OF INFANCY. Identifiers: MedGen C0271714, MONDO:0009415, OMIM 240800.
Hyperinsulinemic hypoglycemia, familial, 1 (HHF1). Also called: Persistent Hyperinsulinemia Hypoglycemia of Infancy; HYPERINSULINISM, FAMILIAL, WITH PANCREATIC NESIDIOBLASTOSIS; HYPOGLYCEMIA, HYPERINSULINEMIC, OF INFANCY; Persistent hyperinsulinemic hypoglycemia of infancy; NESIDIOBLASTOSIS OF PANCREAS. Identifiers: Orphanet 276575, Orphanet 276598, MedGen C2931832, MONDO:0009734, OMIM 256450.
Transitory neonatal diabetes mellitus. Also called: Transient neonatal diabetes mellitus. Identifiers: MedGen C0342273, MONDO:0020525, HP:0008255.
Maturity-onset diabetes of the young (MODY). Also called: Maturity onset diabetes mellitus in young. Identifiers: Orphanet 552, MedGen C0342276, MONDO:0018911, HP:0004904.

Allele frequency attached by ClinVar (database versions not stated): ExAC 0.00003; TOPMed 0.00003; gnomAD 0.00004; gnomAD exomes 0.00004 and 0.00006.
gnomAD v4.1: 92 of 1,614,084 alleles (0.0057%); highest among the groups gnomAD compares: Non-Finnish European, 0.0075%; no homozygotes.

Submissions (7):

Labcorp Genetics (formerly Invitae), Labcorp
Classification: Uncertain significance. Last evaluated: 2025-10-03. Review status: criteria provided, single submitter. Criteria: Invitae Variant Classification Sherloc (09022015). Collection method: clinical testing. Allele origin: germline.
Comment: This sequence change replaces glutamic acid, which is acidic and polar, with lysine, which is basic and polar, at codon 1205 of the ABCC8 protein (p.Glu1205Lys). This variant is present in population databases (rs768448830, gnomAD 0.005%). This missense change has been observed in individual(s) with ABCC8-related conditions (PMID: 31604004). This variant is also known as p.Glu1206Lys. ClinVar contains an entry for this variant (Variation ID: 290581). Invitae Evidence Modeling of protein sequence and biophysical properties (such as structural, functional, and spatial information, amino acid conservation, physicochemical variation, residue mobility, and thermodynamic stability) indicates that this missense variant is expected to disrupt ABCC8 protein function with a positive predictive value of 95%. In summary, the available evidence is currently insufficient to determine the role of this variant in disease. Therefore, it has been classified as a Variant of Uncertain Significance.

Blueprint Genetics
Classification: Uncertain significance. Last evaluated: 2024-09-19. Review status: criteria provided, single submitter. Criteria: ACMG Guidelines, 2015. Collection method: clinical testing. Allele origin: germline.

CeGaT Center for Human Genetics Tuebingen
Classification: Uncertain significance. Last evaluated: 2024-08-01. Review status: criteria provided, single submitter. Criteria: CeGaT Center For Human Genetics Tuebingen Variant Classification Criteria Version 2. Collection method: clinical testing. Allele origin: germline. Affected: yes. Observed: 1 variant allele.
Comment: ABCC8: PM2:Supporting, PP3, PS4:Supporting

Fulgent Genetics
Classification: Uncertain significance for Type 2 diabetes mellitus; Leucine-induced hypoglycemia; Hyperinsulinemic hypoglycemia, familial, 1; Diabetes mellitus, transient neonatal, 2; Diabetes mellitus, permanent neonatal 3. Last evaluated: 2024-05-01. Review status: criteria provided, single submitter. Criteria: ACMG Guidelines, 2015. Collection method: clinical testing. Allele origin: germline.

Eurofins Ntd Llc (ga)
Classification: Uncertain significance. Last evaluated: 2016-08-25. Review status: criteria provided, single submitter. Criteria: EGL Classification Definitions 2015. Collection method: clinical testing. Allele origin: germline. Observed: 1 variant allele, 1 heterozygote.

Clinical Genomics, Uppaluri K&H Personalized Medicine Clinic
Classification: Uncertain significance for Transitory neonatal diabetes mellitus. Review status: criteria provided, single submitter. Criteria: K & H Uppaluri Personalized Medicine Clinic Variant Classification & Assertion Criteria_Updated V.1. Collection method: research. Allele origin: somatic. Inheritance: Somatic mutation.
Comment: Mutations in ABCC8 gene are associated with both neonatal diabetes mellitus as well as MODY. Patients with this mutation may have a better response to sulfonylureas. However, no sufficient evidence is found to ascertain the role of this particular variant (rs768448830) in neonatal diabetes yet.

Clinical Genomics, Uppaluri K&H Personalized Medicine Clinic
Classification: Uncertain significance for Maturity-onset diabetes of the young. Review status: criteria provided, single submitter. Criteria: K & H Uppaluri Personalized Medicine Clinic Variant Classification & Assertion Criteria_Updated V.1. Collection method: research. Allele origin: somatic. Inheritance: Somatic mutation.
Comment: Mutations in ABCC8 gene are associated with both neonatal diabetes mellitus as well as MODY. Patients with this mutation may have a better response to sulfonylureas. However, no sufficient evidence is found to ascertain the role of this particular variant (rs768448830) in MODY yet.

Literature cited by the submitters: PubMed 31604004 (cited by Labcorp Genetics (formerly Invitae), Labcorp); PubMed 16885549 (cited by Clinical Genomics, Uppaluri K&H Personalized Medicine Clinic); PubMed 21989597 (cited by Clinical Genomics, Uppaluri K&H Personalized Medicine Clinic); PubMed 27538677 (cited by Clinical Genomics, Uppaluri K&H Personalized Medicine Clinic); PubMed 18981553 (cited by Clinical Genomics, Uppaluri K&H Personalized Medicine Clinic); PubMed 32027066 (cited by Clinical Genomics, Uppaluri K&H Personalized Medicine Clinic); PubMed 16613899 (cited by Clinical Genomics, Uppaluri K&H Personalized Medicine Clinic); PubMed 18025408 (cited by Clinical Genomics, Uppaluri K&H Personalized Medicine Clinic); PubMed 32792356 (cited by Clinical Genomics, Uppaluri K&H Personalized Medicine Clinic).